The following is an entry in ClinVar:

ClinVar aggregate classification (germline): Benign. Review status: criteria provided, multiple submitters, no conflicts (2 of 4 stars). 3 submissions from 3 submitters: Benign (2). 1 of the submissions does not count toward it. Last evaluated 2021-07-15.

Conditions:
SIK3-related disorder. Also called: SIK3-related condition.
Spondyloepimetaphyseal dysplasia, Krakow type. Also called: IMMUNOOSSEOUS DYSPLASIA, KRAKOW TYPE. Identifiers: MedGen C4748455, MONDO:0032571, OMIM 618162.

Allele frequency attached by ClinVar (database versions not stated): ESP Exome Variant Server 0.16092; TOPMed 0.16689; 1000 Genomes Project 0.17073; 1000 Genomes Project 30x 0.17317.
gnomAD v4.1: 288,545 of 1,613,960 alleles (18%); highest among the groups gnomAD compares: South Asian, 26%; 26,821 homozygotes.

Submissions (3):

Genome-Nilou Lab
Classification: Benign for Spondyloepimetaphyseal dysplasia, Krakow type. Last evaluated: 2021-07-15. Review status: criteria provided, single submitter. Criteria: ACMG Guidelines, 2015. Collection method: clinical testing. Allele origin: germline. Affected: no.

Breakthrough Genomics
Classification: Benign. Review status: criteria provided, single submitter. Criteria: ACMG Guidelines, 2015. Collection method: not provided. Allele origin: germline. Inheritance: Autosomal recessive inheritance. Affected: yes.

PreventionGenetics, part of Exact Sciences
Classification: Benign for SIK3-related condition. Last evaluated: 2019-10-21. Review status: no assertion criteria provided. Collection method: clinical testing. Allele origin: germline. Not counted in ClinVar's aggregate classification.
Comment: This variant is classified as benign based on ACMG/AMP sequence variant interpretation guidelines (Richards et al. 2015 PMID: 25741868, with internal and published modifications).

NM_001366686.3(SIK3):c.3551C>G (p.Pro1184Arg)

Gene: SIK3 (SIK family kinase 3; minus strand). Cytogenetic location: 11q23.3.
Variant type: single nucleotide variant.
Coding change: c.3551C>G on transcript NM_001366686.3 (MANE Select); coding-DNA position 3551, C replaced by G.
Protein change: p.Pro1184Arg; replaces proline 1184 with arginine.
Molecular consequence: missense variant.
Genome position (GRCh38, 1-based): chr11:116,857,914, G>C on the plus strand (C>G on the coding strand, the complement: SIK3 is on the minus strand). VCF-style: chr11-116857914-G-C. GRCh37 (hg19) VCF-style: chr11-116728630-G-C.
Other names: c.2750C>G, p.Pro917Arg (NM_001281748.3); c.3227C>G, p.Pro1076Arg (NM_001281749.3); c.3407C>G, p.Pro1136Arg (NM_025164.6); c.3407C>G (NM_025164.4); short protein forms P1076R, P1136R, P1184R, P917R.
Identifiers: ClinVar variation 1332964 (VCV001332964.5), dbSNP rs12225230, ClinGen allele CA6290128.